The following is an entry in ClinVar:

ClinVar aggregate classification (germline): Uncertain significance (1 of 4 stars; one submission).

gnomAD v4.1: 19 of 1,614,030 alleles (0.0012%); highest among the groups gnomAD compares: East Asian, 0.0022%; no homozygotes.

Submission:

Athena Diagnostics
Classification: Uncertain significance. Last evaluated: 2024-02-21. Review status: criteria provided, single submitter. Criteria: Athena Diagnostics Criteria. Collection method: clinical testing. Allele origin: unknown.
Comment: Available data are insufficient to determine the clinical significance of the variant at this time. This variant has not been reported in large, multi-ethnic general populations. Computational tools disagree on the variant's effect on normal protein function.

NM_182961.4(SYNE1):c.20763T>G (p.Ser6921Arg)

Gene: SYNE1 (spectrin repeat containing nuclear envelope protein 1; minus strand). Cytogenetic location: 6q25.2.
Variant type: single nucleotide variant.
Coding change: c.20763T>G on transcript NM_182961.4 (MANE Select); coding-DNA position 20763, T replaced by G.
Protein change: p.Ser6921Arg; replaces serine 6921 with arginine.
Molecular consequence: missense variant.
Genome position (GRCh38, 1-based): chr6:152,232,215, A>C on the plus strand (T>G on the coding strand, the complement: SYNE1 is on the minus strand). VCF-style: chr6-152232215-A-C. GRCh37 (hg19) VCF-style: chr6-152553350-A-C.
Other names: c.20550T>G, p.Ser6850Arg (NM_033071.5); short protein forms S6850R, S6921R.
Identifiers: ClinVar variation 3571665 (VCV003571665.1).
Genomic context (GRCh38, chr6:152,232,215, plus strand): 5'-TATGGAATTTTTAATATTATCTTCATCCTTCTGAATAACATTTTCCATTAGAGAAATCCA[A>C]CTCATGACTTCAGAAATGGCATGGCGGGAAGGCAGTTTATCCATCTGGAGCTGTCCAAGT-3'
Protein context (NP_892006.3, residues 6911-6931): PSRHAISEVM[Ser6921Arg]WISLMENVIQ